The following is an entry in ClinVar:

ClinVar aggregate classification (germline): Conflicting classifications of pathogenicity. Review status: criteria provided, conflicting classifications (1 of 4 stars). 2 submissions from 2 submitters: Likely pathogenic (1); Uncertain significance (1). Last evaluated 2024-05-03.

Conditions:
Acyl-CoA dehydrogenase 9 deficiency. Also called: Acyl-CoA dehydrogenase family, member 9, deficiency of; MITOCHONDRIAL COMPLEX I DEFICIENCY, NUCLEAR TYPE 20. Identifiers: Orphanet 99901, MedGen C4747517, MONDO:0012624, OMIM 611126.

Allele frequency attached by ClinVar (database versions not stated): gnomAD 0.00001; TOPMed 0.00001.

Submissions (2):

Fulgent Genetics
Classification: Likely pathogenic for Acyl-CoA dehydrogenase 9 deficiency. Last evaluated: 2024-05-03. Review status: criteria provided, single submitter. Criteria: ACMG Guidelines, 2015. Collection method: clinical testing. Allele origin: germline.

Women's Health and Genetics/Laboratory Corporation of America, LabCorp
Classification: Uncertain significance. Last evaluated: 2024-03-19. Review status: criteria provided, single submitter. Criteria: LabCorp Variant Classification Summary - May 2015. Collection method: clinical testing. Allele origin: germline.
Comment: Variant summary: ACAD9 c.1204G>A (p.Gly402Arg) results in a non-conservative amino acid change located in the Acyl-CoA dehydrogenase/oxidase, C-terminal (IPR009075) of the encoded protein sequence. Five of five in-silico tools predict a damaging effect of the variant on protein function. The variant allele was found at a frequency of 4e-06 in 251358 control chromosomes. The available data on variant occurrences in the general population are insufficient to allow any conclusion about variant significance. c.1204G>A has been reported in the literature in individuals affected with Mitochondrial Complex I Deficiency, Nuclear Type 20 (Dubucs_2023). This report does not provide unequivocal conclusions about association of the variant with Mitochondrial Complex I Deficiency, Nuclear Type 20. To our knowledge, no experimental evidence demonstrating an impact on protein function has been reported. The following publication have been ascertained in the context of this evaluation (PMID: 37064341). No submitters have cited clinical-significance assessments for this variant to ClinVar. Based on the evidence outlined above, the variant was classified as uncertain significance.

Literature cited by the submitters: PubMed 37064341 (cited by Women's Health and Genetics/Laboratory Corporation of America, LabCorp).

NM_014049.5(ACAD9):c.1204G>A (p.Gly402Arg)

Gene: ACAD9 (acyl-CoA dehydrogenase family member 9; plus strand). Cytogenetic location: 3q21.3.
Variant type: single nucleotide variant.
Coding change: c.1204G>A on transcript NM_014049.5 (MANE Select); coding-DNA position 1204, G replaced by A.
Protein change: p.Gly402Arg; replaces glycine 402 with arginine.
Molecular consequence: missense variant. On other transcripts: non-coding transcript variant (1).
Genome position (GRCh38, 1-based): chr3:128,906,175, G>A. VCF-style: chr3-128906175-G-A. GRCh37 (hg19) VCF-style: chr3-128625018-G-A.
Other names: c.835G>A, p.Gly279Arg (NM_001410805.1); short protein forms G279R, G402R.
Identifiers: ClinVar variation 3233881 (VCV003233881.3), dbSNP rs1247540257, ClinGen allele CA354437132.
Genomic context (GRCh38, chr3:128,906,175, plus strand): 5'-CCACAGGTGTTCAGCTCCGAGGCCGCCTGGCAGTGTGTGAGTGAGGCGCTGCAGATCCTC[G>A]GGGGCTTGGGCTACACAAGGGACTATCCGTACGAGCGCATACTGCGTGACACCCGCATCC-3'
Protein context (NP_054768.2, residues 392-412): QCVSEALQIL[Gly402Arg]GLGYTRDYPY